The following is an entry in ClinVar:

NM_001352754.2(ARMC9):c.1203G>A (p.Leu401=)

Gene: ARMC9 (armadillo repeat containing 9; plus strand). Cytogenetic location: 2q37.1.
Variant type: single nucleotide variant.
Coding change: c.1203G>A on transcript NM_001352754.2 (MANE Select); coding-DNA position 1203, G replaced by A.
Protein change: p.Leu401=; no amino-acid change (leucine 401 retained).
Molecular consequence: synonymous variant. On other transcripts: non-coding transcript variant (1).
Genome position (GRCh38, 1-based): chr2:231,271,065, G>A. VCF-style: chr2-231271065-G-A. GRCh37 (hg19) VCF-style: chr2-232135778-G-A.
Other names: c.1203G>A, p.Leu401= (NM_001271466.4, NM_001291656.2, NM_001352755.2 and 3 more transcripts); c.1104G>A, p.Leu368= (NM_001352757.2, NM_001352758.2).
Identifiers: ClinVar variation 1350599 (VCV001350599.6), dbSNP rs765040741, ClinGen allele CA2160229.

ClinVar aggregate classification (germline): Uncertain significance (1 of 4 stars; one submission).

Allele frequency attached by ClinVar (database versions not stated): gnomAD exomes below 0.00001 and 0.00001; ExAC 0.00002; gnomAD 0.00003; TOPMed 0.00004.
gnomAD v4.1: 10 of 1,613,856 alleles (0.00062%); highest among the groups gnomAD compares: African/African-American, 0.0053%; no homozygotes.

Submission:

Labcorp Genetics (formerly Invitae), Labcorp
Classification: Uncertain significance. Last evaluated: 2022-10-05. Review status: criteria provided, single submitter. Criteria: Invitae Variant Classification Sherloc (09022015). Collection method: clinical testing. Allele origin: germline.
Comment: This variant has not been reported in the literature in individuals affected with ARMC9-related conditions. This variant is present in population databases (rs765040741, gnomAD 0.01%). This sequence change affects codon 401 of the ARMC9 mRNA. It is a 'silent' change, meaning that it does not change the encoded amino acid sequence of the ARMC9 protein. ClinVar contains an entry for this variant (Variation ID: 1350599). In summary, the available evidence is currently insufficient to determine the role of this variant in disease. Therefore, it has been classified as a Variant of Uncertain Significance. Algorithms developed to predict the effect of sequence changes on RNA splicing suggest that this variant may create or strengthen a splice site.